The following is an entry in ClinVar:

ClinVar aggregate classification (germline): Uncertain significance. Review status: criteria provided, multiple submitters, no conflicts (2 of 4 stars). 2 submissions from 2 submitters: Uncertain significance (2). Last evaluated 2022-04-08.

Conditions:
Mucopolysaccharidosis, MPS-III-A (MPS3A). Also called: Mucopolysaccharidosis type IIIA (Sanfilippo A); HEPARAN SULFATE SULFATASE DEFICIENCY; SANFILIPPO SYNDROME A; SULFAMIDASE DEFICIENCY; MPS III A; MUCOPOLYSACCHARIDOSIS, TYPE IIIA, ATTENUATED. Identifiers: Orphanet 581, Orphanet 79269, MedGen C0086647, MONDO:0009655, OMIM 252900.

Allele frequency attached by ClinVar (database versions not stated): ExAC 0.00001; gnomAD 0.00001; gnomAD exomes 0.00001; TOPMed 0.00001.

Submissions (2):

Labcorp Genetics (formerly Invitae), Labcorp
Classification: Uncertain significance for Mucopolysaccharidosis, MPS-III-A. Last evaluated: 2022-04-08. Review status: criteria provided, single submitter. Criteria: Invitae Variant Classification Sherloc (09022015). Collection method: clinical testing. Allele origin: germline.
Comment: This sequence change replaces arginine, which is basic and polar, with histidine, which is basic and polar, at codon 206 of the SGSH protein (p.Arg206His). The frequency data for this variant in the population databases is considered unreliable, as metrics indicate poor data quality at this position in the gnomAD database. This variant has not been reported in the literature in individuals affected with SGSH-related conditions. Algorithms developed to predict the effect of missense changes on protein structure and function output the following: SIFT: "Tolerated"; PolyPhen-2: "Benign"; Align-GVGD: "Class C0". The histidine amino acid residue is found in multiple mammalian species, which suggests that this missense change does not adversely affect protein function. In summary, the available evidence is currently insufficient to determine the role of this variant in disease. Therefore, it has been classified as a Variant of Uncertain Significance.

Victorian Clinical Genetics Services, Murdoch Childrens Research Institute
Classification: Uncertain significance for Mucopolysaccharidosis, MPS-III-A. Last evaluated: 2022-03-31. Review status: criteria provided, single submitter. Criteria: ACMG Guidelines, 2015. Collection method: clinical testing. Allele origin: germline. Inheritance: Autosomal recessive inheritance. Affected: yes.
Comment: Based on the classification scheme VCGS_Germline_v1.3.4, this variant is classified as VUS-3C. Following criteria are met: 0102 - Loss of function is a known mechanism of disease in this gene and is associated with Mucopolysaccharidosis type IIIA (Sanfilippo A) (MIM#252900). (I) 0106 - This gene is associated with autosomal recessive disease. (I) 0200 - Variant is predicted to result in a missense amino acid change from arginine to histidine. (I) 0251 - This variant is heterozygous. (I) 0304 - Variant is present in gnomAD (v2) <0.01 for a recessive condition (1 heterozygote, 0 homozygotes). (SP) 0309 - An alternative amino acid change at the same position has been observed in gnomAD (v2) (4 heterozygotes, 0 homozygotes). (I) 0503 - Missense variant with conflicting in silico predictions and not conserved in placental mammals with a minor amino acid change. (SB) 0600 - Variant is located in the annotated Sulfatase domain (DECIPHER). (I) 0705 - No comparable missense variants have previous evidence for pathogenicity. Two comparable changes reported as pathogenic but they cannot be counted as comparable due to conservation and GS. (I) 0806 - This variant has moderate previous evidence of being benign in unrelated individuals. This variant has been reported as likely benign in Global Variome shared LOVD database. (SB) 0905 - No published segregation evidence has been identified for this variant. (I) 1007 - No published functional evidence has been identified for this variant. (I) Legend: (SP) - Supporting pathogenic, (I) - Information, (SB) - Supporting benign

NM_000199.5(SGSH):c.617G>A (p.Arg206His)

Gene: SGSH (N-sulfoglucosamine sulfohydrolase; minus strand). Cytogenetic location: 17q25.3.
Variant type: single nucleotide variant.
Coding change: c.617G>A on transcript NM_000199.5 (MANE Select); coding-DNA position 617, G replaced by A.
Protein change: p.Arg206His; replaces arginine 206 with histidine.
Molecular consequence: missense variant. On other transcripts: non-coding transcript variant (1).
Genome position (GRCh38, 1-based): chr17:80,214,218, C>T on the plus strand (G>A on the coding strand, the complement: SGSH is on the minus strand). VCF-style: chr17-80214218-C-T. GRCh37 (hg19) VCF-style: chr17-78188017-C-T.
Other names: c.617G>A, p.Arg206His (NM_001352921.3, NM_001352922.2); short protein forms R206H.
Identifiers: ClinVar variation 1805444 (VCV001805444.3), dbSNP rs104894643, ClinGen allele CA8817933.
Genomic context (GRCh38, chr17:80,214,218, plus strand): 5'-AGGGGCCGTCCTACCAGCACGTCCAGTGGGTCGTAGGCCTGGGGGGTCCAGTCTGGGATA[C>T]GACCCATGCCGCTCTCTCCGTTGCCAAACTTCTCACAGAAGGTTCCGTACTGGGGCTGGG-3'
Protein context (NP_000190.1, residues 196-216): KFGNGESGMG[Arg206His]IPDWTPQAYD